The following is an entry in ClinVar:

NM_015570.4(AUTS2):c.2347G>A (p.Val783Met)

Gene: AUTS2 (activator of transcription and developmental regulator AUTS2; plus strand). Cytogenetic location: 7q11.22.
Variant type: single nucleotide variant.
Coding change: c.2347G>A on transcript NM_015570.4 (MANE Select); coding-DNA position 2347, G replaced by A.
Protein change: p.Val783Met; replaces valine 783 with methionine.
Molecular consequence: missense variant.
Genome position (GRCh38, 1-based): chr7:70,787,247, G>A. VCF-style: chr7-70787247-G-A. GRCh37 (hg19) VCF-style: chr7-70252233-G-A.
Other names: c.2275G>A, p.Val759Met (NM_001127231.3); short protein forms V759M, V783M.
Identifiers: ClinVar variation 3333646 (VCV003333646.2).

ClinVar aggregate classification (germline): Uncertain significance. Review status: criteria provided, multiple submitters, no conflicts (2 of 4 stars). 2 submissions from 2 submitters: Uncertain significance (2). Last evaluated 2025-06-12.

Conditions:
Inborn genetic diseases. Identifiers: MedGen C0950123, MeSH D030342.

gnomAD v4.1: 4 of 1,614,224 alleles (0.00025%); highest among the groups gnomAD compares: Admixed American, 0.0033%; no homozygotes.

Submissions (2):

Labcorp Genetics (formerly Invitae), Labcorp
Classification: Uncertain significance. Last evaluated: 2025-06-12. Review status: criteria provided, single submitter. Criteria: Invitae Variant Classification Sherloc (09022015). Collection method: clinical testing. Allele origin: germline.
Comment: This sequence change replaces valine, which is neutral and non-polar, with methionine, which is neutral and non-polar, at codon 783 of the AUTS2 protein (p.Val783Met). This variant is present in population databases (rs773739644, gnomAD 0.003%). This variant has not been reported in the literature in individuals affected with AUTS2-related conditions. ClinVar contains an entry for this variant (Variation ID: 3333646). Invitae Evidence Modeling of protein sequence and biophysical properties (such as structural, functional, and spatial information, amino acid conservation, physicochemical variation, residue mobility, and thermodynamic stability) indicates that this missense variant is not expected to disrupt AUTS2 protein function with a negative predictive value of 80%. In summary, the available evidence is currently insufficient to determine the role of this variant in disease. Therefore, it has been classified as a Variant of Uncertain Significance.

Ambry Genetics
Classification: Uncertain significance for Inborn genetic diseases. Last evaluated: 2024-03-30. Review status: criteria provided, single submitter. Criteria: Ambry Variant Classification Scheme 2023. Collection method: clinical testing. Allele origin: germline.